The following is an entry in ClinVar:

ClinVar aggregate classification (germline): Conflicting classifications of pathogenicity. Review status: criteria provided, conflicting classifications (1 of 4 stars). 4 submissions from 4 submitters: Uncertain significance (3); Likely benign (1). Last evaluated 2022-10-19.

Conditions:
Brittle cornea syndrome 1 (BCS1). Also called: EDS6B; CORNEAL FRAGILITY, KERATOGLOBUS, BLUE SCLERAE, JOINT HYPEREXTENSIBILITY; FRAGILITAS OCULI WITH JOINT HYPEREXTENSIBILITY; Corneal fragility keratoglobus, blue sclerae AND joint hypermobility; DYSGENESIS MESODERMALIS CORNEAE ET SCLERAE. Identifiers: Orphanet 90354, MedGen C0268344, MONDO:0024543, OMIM 229200.
Cardiovascular phenotype. Identifiers: MedGen CN230736.

Allele frequency attached by ClinVar (database versions not stated): TOPMed 0.00008; gnomAD exomes 0.00013 and 0.00003; gnomAD 0.00005.
gnomAD v4.1: 43 of 1,550,154 alleles (0.0028%); highest among the groups gnomAD compares: Admixed American, 0.057%; no homozygotes.

Submissions (4):

Ambry Genetics
Classification: Likely benign for Cardiovascular phenotype. Last evaluated: 2022-10-19. Review status: criteria provided, single submitter. Criteria: Ambry Variant Classification Scheme 2023. Collection method: clinical testing. Allele origin: germline.

Labcorp Genetics (formerly Invitae), Labcorp
Classification: Uncertain significance. Last evaluated: 2022-08-16. Review status: criteria provided, single submitter. Criteria: Invitae Variant Classification Sherloc (09022015). Collection method: clinical testing. Allele origin: germline.
Comment: This sequence change replaces glycine, which is neutral and non-polar, with arginine, which is basic and polar, at codon 249 of the ZNF469 protein (p.Gly249Arg). This variant is present in population databases (no rsID available, gnomAD 0.08%). This variant has not been reported in the literature in individuals affected with ZNF469-related conditions. ClinVar contains an entry for this variant (Variation ID: 1212320). Algorithms developed to predict the effect of missense changes on protein structure and function output the following: SIFT: "Deleterious"; PolyPhen-2: "Benign"; Align-GVGD: "Class C0". The arginine amino acid residue is found in multiple mammalian species, which suggests that this missense change does not adversely affect protein function. In summary, the available evidence is currently insufficient to determine the role of this variant in disease. Therefore, it has been classified as a Variant of Uncertain Significance.

Fulgent Genetics
Classification: Uncertain significance for Brittle cornea syndrome 1. Last evaluated: 2021-11-29. Review status: criteria provided, single submitter. Criteria: ACMG Guidelines, 2015. Collection method: clinical testing. Allele origin: unknown.

GeneDx
Classification: Uncertain significance. Last evaluated: 2020-12-08. Review status: criteria provided, single submitter. Criteria: GeneDx Variant Classification Process June 2021. Collection method: clinical testing. Allele origin: germline. Affected: yes.
Comment: Has not been previously published as pathogenic or benign to our knowledge; In silico analysis supports that this missense variant has a deleterious effect on protein structure/function

NM_001367624.2(ZNF469):c.745G>A (p.Gly249Arg)

Gene: ZNF469 (zinc finger protein 469; plus strand). Cytogenetic location: 16q24.2.
Variant type: single nucleotide variant.
Coding change: c.745G>A on transcript NM_001367624.2 (MANE Select); coding-DNA position 745, G replaced by A.
Protein change: p.Gly249Arg; replaces glycine 249 with arginine.
Molecular consequence: missense variant.
Genome position (GRCh38, 1-based): chr16:88,428,215, G>A. VCF-style: chr16-88428215-G-A. GRCh37 (hg19) VCF-style: chr16-88494623-G-A.
Other names: NM_001127464.1:c.745G>A; short protein forms G249R.
Identifiers: ClinVar variation 1212320 (VCV001212320.8), dbSNP rs1163683032, ClinGen allele CA397061869.